The following is an entry in ClinVar:

ClinVar aggregate classification (germline): Likely pathogenic (1 of 4 stars; one submission).

Submission:

Labcorp Genetics (formerly Invitae), Labcorp
Classification: Likely pathogenic. Last evaluated: 2022-10-05. Review status: criteria provided, single submitter. Criteria: Invitae Variant Classification Sherloc (09022015). Collection method: clinical testing. Allele origin: germline.
Comment: In summary, the currently available evidence indicates that the variant is pathogenic, but additional data are needed to prove that conclusively. Therefore, this variant has been classified as Likely Pathogenic. Algorithms developed to predict the effect of sequence changes on RNA splicing suggest that this variant may disrupt the consensus splice site. This variant has not been reported in the literature in individuals affected with COL2A1-related conditions. This variant is not present in population databases (gnomAD no frequency). This sequence change affects an acceptor splice site in intron 3 of the COL2A1 gene. It is expected to disrupt RNA splicing. Variants that disrupt the donor or acceptor splice site typically lead to a loss of protein function (PMID: 16199547), and loss-of-function variants in COL2A1 are known to be pathogenic (PMID: 20179744).

Literature cited by the submitters: PubMed 16199547; PubMed 20179744.

NM_001844.5(COL2A1):c.310-1G>A

Gene: COL2A1 (collagen type II alpha 1 chain; minus strand). Cytogenetic location: 12q13.11.
Variant type: single nucleotide variant.
Coding change: c.310-1G>A on transcript NM_001844.5 (MANE Select); the canonical splice acceptor site of the intron before coding-DNA position 310, G replaced by A.
Molecular consequence: splice acceptor variant.
Genome position (GRCh38, 1-based): chr12:47,998,202, C>T on the plus strand (G>A on the coding strand, the complement: COL2A1 is on the minus strand). VCF-style: chr12-47998202-C-T. GRCh37 (hg19) VCF-style: chr12-48391985-C-T.
Other names: c.103-1G>A (NM_033150.3).
Identifiers: ClinVar variation 2025482 (VCV002025482.4), dbSNP rs2540182834, ClinGen allele CA384525448.